The following is an entry in ClinVar:

NM_032444.4(SLX4):c.4556A>C (p.Gln1519Pro)

Gene: SLX4 (SLX4 structure-specific endonuclease subunit; minus strand). Cytogenetic location: 16p13.3.
Variant type: single nucleotide variant.
Coding change: c.4556A>C on transcript NM_032444.4 (MANE Select); coding-DNA position 4556, A replaced by C.
Protein change: p.Gln1519Pro; replaces glutamine 1519 with proline.
Molecular consequence: missense variant.
Genome position (GRCh38, 1-based): chr16:3,589,082, T>G on the plus strand (A>C on the coding strand, the complement: SLX4 is on the minus strand). VCF-style: chr16-3589082-T-G. GRCh37 (hg19) VCF-style: chr16-3639083-T-G.
Other names: short protein forms Q1519P.
Identifiers: ClinVar variation 863510 (VCV000863510.9), dbSNP rs561446698, ClinGen allele CA394516891.

ClinVar aggregate classification (germline): Uncertain significance (1 of 4 stars; one submission).

Conditions:
Fanconi anemia (FA). Also called: Fanconi's anemia. Identifiers: Orphanet 84, MedGen C0015625, MeSH D005199, MONDO:0019391.

Submission:

Labcorp Genetics (formerly Invitae), Labcorp
Classification: Uncertain significance for Fanconi anemia. Last evaluated: 2019-02-08. Review status: criteria provided, single submitter. Criteria: Invitae Variant Classification Sherloc (09022015). Collection method: clinical testing. Allele origin: germline.
Comment: In summary, the available evidence is currently insufficient to determine the role of this variant in disease. Therefore, it has been classified as a Variant of Uncertain Significance. Algorithms developed to predict the effect of missense changes on protein structure and function are either unavailable or do not agree on the potential impact of this missense change (SIFT: "Tolerated"; PolyPhen-2: "Possibly Damaging"; Align-GVGD: "Class C0"). This variant has not been reported in the literature in individuals with SLX4-related conditions. This variant is not present in population databases (ExAC no frequency). This sequence change replaces glutamine with proline at codon 1519 of the SLX4 protein (p.Gln1519Pro). The glutamine residue is weakly conserved and there is a moderate physicochemical difference between glutamine and proline.